The following is an entry in ClinVar:

NM_001384474.1(LOXHD1):c.2183A>G (p.Lys728Arg)

Gene: LOXHD1 (lipoxygenase homology PLAT domains 1; minus strand). Cytogenetic location: 18q21.1.
Variant type: single nucleotide variant.
Coding change: c.2183A>G on transcript NM_001384474.1 (MANE Select); coding-DNA position 2183, A replaced by G.
Protein change: p.Lys728Arg; replaces lysine 728 with arginine.
Molecular consequence: missense variant.
Genome position (GRCh38, 1-based): chr18:46,569,503, T>C on the plus strand (A>G on the coding strand, the complement: LOXHD1 is on the minus strand). VCF-style: chr18-46569503-T-C. GRCh37 (hg19) VCF-style: chr18-44149466-T-C.
Other names: c.2183A>G, p.Lys728Arg (NM_144612.7); short protein forms K728R.
Identifiers: ClinVar variation 2621524 (VCV002621524.4), dbSNP rs2037709849, ClinGen allele CA402374820.

ClinVar aggregate classification (germline): Uncertain significance. Review status: criteria provided, multiple submitters, no conflicts (2 of 4 stars). 2 submissions from 2 submitters: Uncertain significance (2). Last evaluated 2024-12-27.

Conditions:
Inborn genetic diseases. Identifiers: MedGen C0950123, MeSH D030342.

Allele frequency attached by ClinVar (database versions not stated): gnomAD exomes 0.00001.
gnomAD v4.1: 12 of 1,552,110 alleles (0.00077%); highest among the groups gnomAD compares: Non-Finnish European, 0.001%; no homozygotes.

Submissions (2):

Labcorp Genetics (formerly Invitae), Labcorp
Classification: Uncertain significance. Last evaluated: 2024-12-27. Review status: criteria provided, single submitter. Criteria: Invitae Variant Classification Sherloc (09022015). Collection method: clinical testing. Allele origin: germline.
Comment: This sequence change replaces lysine, which is basic and polar, with arginine, which is basic and polar, at codon 728 of the LOXHD1 protein (p.Lys728Arg). This variant is not present in population databases (gnomAD no frequency). This variant has not been reported in the literature in individuals affected with LOXHD1-related conditions. ClinVar contains an entry for this variant (Variation ID: 2621524). An algorithm developed to predict the effect of missense changes on protein structure and function (PolyPhen-2) suggests that this variant is likely to be tolerated. In summary, the available evidence is currently insufficient to determine the role of this variant in disease. Therefore, it has been classified as a Variant of Uncertain Significance.

Ambry Genetics
Classification: Uncertain significance for Inborn genetic diseases. Last evaluated: 2023-08-24. Review status: criteria provided, single submitter. Criteria: Ambry Variant Classification Scheme 2023. Collection method: clinical testing. Allele origin: germline.